The following is an entry in ClinVar:

ClinVar aggregate classification (germline): Uncertain significance (1 of 4 stars; one submission).

Conditions:
Cardiovascular phenotype. Identifiers: MedGen CN230736.

Submission:

Ambry Genetics
Classification: Uncertain significance for Cardiovascular phenotype. Last evaluated: 2022-10-30. Review status: criteria provided, single submitter. Criteria: Ambry Variant Classification Scheme 2023. Collection method: clinical testing. Allele origin: germline.
Comment: The p.A246S variant (also known as c.736G>T), located in coding exon 2 of the LOX gene, results from a G to T substitution at nucleotide position 736. The alanine at codon 246 is replaced by serine, an amino acid with similar properties. This amino acid position is conserved. In addition, this alteration is predicted to be tolerated by in silico analysis. Since supporting evidence is limited at this time, the clinical significance of this alteration remains unclear.

NM_002317.7(LOX):c.736G>T (p.Ala246Ser)

Genes: SRFBP1 (serum response factor binding protein 1; plus strand), LOX (lysyl oxidase; minus strand). Cytogenetic location: 5q23.1.
Variant type: single nucleotide variant.
Coding change: c.736G>T on transcript NM_002317.7 (MANE Select); coding-DNA position 736, G replaced by T.
Protein change: p.Ala246Ser; replaces alanine 246 with serine.
Molecular consequence: missense variant. On other transcripts: intron variant (1).
Genome position (GRCh38, 1-based): chr5:122,076,897, C>A on the plus strand (G>T on the coding strand, the complement: LOX is on the minus strand). VCF-style: chr5-122076897-C-A. GRCh37 (hg19) VCF-style: chr5-121412592-C-A.
Other names: c.46G>T, p.Ala16Ser (NM_001178102.2); c.-152+195G>T (NM_001317073.1); short protein forms A16S, A246S.
Identifiers: ClinVar variation 1758562 (VCV001758562.2), dbSNP rs2532914781, ClinGen allele CA360874783.